The following is an entry in ClinVar:

ClinVar aggregate classification (germline): Uncertain significance (1 of 4 stars; one submission).

Conditions:
Inborn genetic diseases. Identifiers: MedGen C0950123, MeSH D030342.

Submission:

Ambry Genetics
Classification: Uncertain significance for Inborn genetic diseases. Last evaluated: 2026-02-06. Review status: criteria provided, single submitter. Criteria: Ambry Variant Classification Scheme 2023. Collection method: clinical testing. Allele origin: germline.
Comment: The c.1302+5G>C intronic variant results from a G to C substitution 5 nucleotides after coding exon 12 in the DDX41 gene. This nucleotide position is highly conserved in available vertebrate species. In silico splice site analysis predicts that this alteration will weaken the native splice donor site. RNA studies have demonstrated that this alteration results in a transcript predicted to lead to a protein with an in-frame deletion of 24 amino acid(s); however, the exact functional impact of the deleted amino acid(s) is unknown at this time (Ambry internal data). Based on the available evidence, the clinical significance of this variant remains unclear.

NM_016222.4(DDX41):c.1302+5G>C

Gene: DDX41 (DEAD-box helicase 41; minus strand). Cytogenetic location: 5q35.3.
Variant type: single nucleotide variant.
Coding change: c.1302+5G>C on transcript NM_016222.4 (MANE Select); 5 bases into the intron after coding-DNA position 1302, G replaced by C.
Molecular consequence: intron variant.
Genome position (GRCh38, 1-based): chr5:177,513,006, C>G on the plus strand (G>C on the coding strand, the complement: DDX41 is on the minus strand). VCF-style: chr5-177513006-C-G. GRCh37 (hg19) VCF-style: chr5-176940007-C-G.
Other names: c.924+5G>C (NM_001321830.2, NM_001321732.2).
Identifiers: ClinVar variation 4844596 (VCV004844596.1).
Genomic context (GRCh38, chr5:177,513,006, plus strand): 5'-TGTCCCCTCCAAAGCCCTCCCTGGTCCTGGGGACTCTGGCCCCGGCCTGGCCTGGCTGCA[C>G]TCACAGGCGGGGGTGTCTTCTGCAGGCACTCGAGCAGGTACACCATCTTGGCCTCCTCCT-3'